The following is an entry in ClinVar:

NM_024408.4(NOTCH2):c.2597A>T (p.Gln866Leu)

Gene: NOTCH2 (notch receptor 2; minus strand). Cytogenetic location: 1p12.
Variant type: single nucleotide variant.
Coding change: c.2597A>T on transcript NM_024408.4 (MANE Select); coding-DNA position 2597, A replaced by T.
Protein change: p.Gln866Leu; replaces glutamine 866 with leucine.
Molecular consequence: missense variant.
Genome position (GRCh38, 1-based): chr1:119,949,009, T>A on the plus strand (A>T on the coding strand, the complement: NOTCH2 is on the minus strand). VCF-style: chr1-119949009-T-A. GRCh37 (hg19) VCF-style: chr1-120491632-T-A.
Other names: c.2597A>T, p.Gln866Leu (NM_001200001.2); short protein forms Q866L.
Identifiers: ClinVar variation 1307734 (VCV001307734.2), dbSNP rs2101115501, ClinGen allele CA341858819.
Genomic context (GRCh38, chr1:119,949,009, plus strand): 5'-ACCACTTTGTTTAAAGTCAGAATGCATGTTCTTGGCTTCTCCACACCCATGTTCTTACCT[T>A]GCCAGCCAGGAGCACACAAGCAAGTATAACTCTCAAAATTTGGTGACTCTTTGCAAACAG-3'
Protein context (NP_077719.2, residues 856-876): SYTCLCAPGW[Gln866Leu]GQRCTIDIDE

ClinVar aggregate classification (germline): Uncertain significance (1 of 4 stars; one submission).

Submission:

GeneDx
Classification: Uncertain significance. Last evaluated: 2019-08-13. Review status: criteria provided, single submitter. Criteria: GeneDx Variant Classification Process June 2021. Collection method: clinical testing. Allele origin: germline. Affected: yes.
Comment: Not observed in large population cohorts (Lek et al., 2016); In silico analysis, which includes protein predictors and evolutionary conservation, supports a deleterious effect; Has not been previously published as pathogenic or benign to our knowledge